The following is an entry in ClinVar:

NM_018489.3(ASH1L):c.6723T>G (p.Ala2241=)

Gene: ASH1L (ASH1 like histone lysine methyltransferase; minus strand). Cytogenetic location: 1q22.
Variant type: single nucleotide variant.
Coding change: c.6723T>G on transcript NM_018489.3 (MANE Select); coding-DNA position 6723, T replaced by G.
Protein change: p.Ala2241=; no amino-acid change (alanine 2241 retained).
Molecular consequence: synonymous variant.
Genome position (GRCh38, 1-based): chr1:155,360,373, A>C on the plus strand (T>G on the coding strand, the complement: ASH1L is on the minus strand). VCF-style: chr1-155360373-A-C. GRCh37 (hg19) VCF-style: chr1-155330164-A-C.
Other names: c.6738T>G, p.Ala2246= (NM_001366177.2).
Identifiers: ClinVar variation 3067636 (VCV003067636.21), dbSNP rs1417084345, ClinGen allele CA421017354.

ClinVar aggregate classification (germline): Likely benign (1 of 4 stars; one submission).

Submission:

CeGaT Center for Human Genetics Tuebingen
Classification: Likely benign. Last evaluated: 2024-03-01. Review status: criteria provided, single submitter. Criteria: CeGaT Center For Human Genetics Tuebingen Variant Classification Criteria Version 2. Collection method: clinical testing. Allele origin: germline. Affected: yes. Observed: 1 variant allele.
Comment: ASH1L: PM2:Supporting, BP4, BP7